The following is an entry in ClinVar:

NM_001457.4(FLNB):c.7604T>C (p.Val2535Ala)

Genes: FLNB (filamin B; plus strand), FLNB-AS1 (FLNB antisense RNA 1; minus strand). Cytogenetic location: 3p14.3.
Variant type: single nucleotide variant.
Coding change: c.7604T>C on transcript NM_001457.4 (MANE Select); coding-DNA position 7604, T replaced by C.
Protein change: p.Val2535Ala; replaces valine 2535 with alanine.
Molecular consequence: missense variant.
Genome position (GRCh38, 1-based): chr3:58,169,776, T>C. VCF-style: chr3-58169776-T-C. GRCh37 (hg19) VCF-style: chr3-58155503-T-C.
Other names: c.7697T>C, p.Val2566Ala (NM_001164317.2); c.7571T>C, p.Val2524Ala (NM_001164318.2); c.7532T>C, p.Val2511Ala (NM_001164319.2); short protein forms V2511A, V2524A, V2535A, V2566A.
Identifiers: ClinVar variation 1053581 (VCV001053581.5), dbSNP rs957858587, ClinGen allele CA75433737.

ClinVar aggregate classification (germline): Uncertain significance (1 of 4 stars; one submission).

Allele frequency attached by ClinVar (database versions not stated): gnomAD exomes below 0.00001; gnomAD 0.00005 and 0.00006; TOPMed 0.00011.
gnomAD v4.1: 13 of 1,538,972 alleles (0.00084%); highest among the groups gnomAD compares: Admixed American, 0.016%; no homozygotes.

Submission:

Labcorp Genetics (formerly Invitae), Labcorp
Classification: Uncertain significance. Last evaluated: 2025-11-01. Review status: criteria provided, single submitter. Criteria: Invitae Variant Classification Sherloc (09022015). Collection method: clinical testing. Allele origin: germline.
Comment: This sequence change replaces valine, which is neutral and non-polar, with alanine, which is neutral and non-polar, at codon 2535 of the FLNB protein (p.Val2535Ala). This variant is present in population databases (no rsID available, gnomAD 0.003%). This variant has not been reported in the literature in individuals affected with FLNB-related conditions. ClinVar contains an entry for this variant (Variation ID: 1053581). Invitae Evidence Modeling of protein sequence and biophysical properties (such as structural, functional, and spatial information, amino acid conservation, physicochemical variation, residue mobility, and thermodynamic stability) has been performed for this missense variant. However, the output from this modeling did not meet the statistical confidence thresholds required to predict the impact of this variant on FLNB protein function. In summary, the available evidence is currently insufficient to determine the role of this variant in disease. Therefore, it has been classified as a Variant of Uncertain Significance.